The following is an entry in ClinVar:

ClinVar aggregate classification (germline): Likely benign. Review status: criteria provided, multiple submitters, no conflicts (2 of 4 stars). 4 submissions from 4 submitters: Likely benign (4). Last evaluated 2025-08-11.

Conditions:
Short QT syndrome type 2. Identifiers: Orphanet 51083, MedGen C1865019, MONDO:0012313, OMIM 609621.
Jervell and Lange-Nielsen syndrome 1 (JLNS1). Also called: CARDIOAUDITORY SYNDROME OF JERVELL AND LANGE-NIELSEN; DEAFNESS, CONGENITAL, AND FUNCTIONAL HEART DISEASE; PROLONGED QT INTERVAL IN EKG AND SUDDEN DEATH; SURDO-CARDIAC SYNDROME. Identifiers: Orphanet 768, Orphanet 90647, MedGen C4551509, MONDO:0024540, OMIM 220400.
Beckwith-Wiedemann syndrome (BWS). Also called: EMG SYNDROME; Exomphalos macroglossia gigantism syndrome. Identifiers: Orphanet 116, MedGen C0004903, MONDO:0007534, OMIM 130650.
Atrial fibrillation, familial, 3 (ATFB3). Identifiers: MedGen C1837014, MONDO:0011857, OMIM 607554.
Long QT syndrome 1 (LQT1). Identifiers: Orphanet 101016, Orphanet 768, MedGen C4551647, MONDO:0100316, OMIM 192500, MONDO:0008646.
Long QT syndrome (LQTS). Identifiers: MedGen C0023976, MeSH D008133, MONDO:0002442. Disease mechanism: loss of function. Inheritance: Various modes of inheritance.

Allele frequency attached by ClinVar (database versions not stated): gnomAD 0.00001; gnomAD exomes 0.00006 and 0.00008; TOPMed 0.00006; ESP Exome Variant Server 0.00008; ExAC 0.00009.
gnomAD v4.1: 113 of 1,609,556 alleles (0.007%); highest among the groups gnomAD compares: Non-Finnish European, 0.0095%; no homozygotes.

Submissions (4):

Labcorp Genetics (formerly Invitae), Labcorp
Classification: Likely benign for Long QT syndrome. Last evaluated: 2025-08-11. Review status: criteria provided, single submitter. Criteria: Invitae Variant Classification Sherloc (09022015). Collection method: clinical testing. Allele origin: germline.

Blueprint Genetics
Classification: Likely benign. Last evaluated: 2024-05-10. Review status: criteria provided, single submitter. Criteria: ACMG Guidelines, 2015. Collection method: clinical testing. Allele origin: germline.

Fulgent Genetics
Classification: Likely benign for Beckwith-Wiedemann syndrome; Long QT syndrome 1; Jervell and Lange-Nielsen syndrome 1; Atrial fibrillation, familial, 3; Short QT syndrome type 2. Last evaluated: 2021-10-01. Review status: criteria provided, single submitter. Criteria: ACMG Guidelines, 2015. Collection method: clinical testing. Allele origin: unknown.

Laboratory for Molecular Medicine, Mass General Brigham Personalized Medicine
Classification: Likely benign. Last evaluated: 2012-04-30. Review status: criteria provided, single submitter. Criteria: LMM Criteria. Collection method: clinical testing. Allele origin: germline. Observed: 2 variant alleles.
Comment: c.604+12C>T in Intron 03 of KCNQ1: This variant is not expected to have clinical significance because it is not located within the conserved splice consensus se quence and has been identified in 1/7020 European American chromosomes from a br oad population by the NHLBI Exome Sequencing Project (du/EVS).

NM_000218.3(KCNQ1):c.604+12C>T

Gene: KCNQ1 (potassium voltage-gated channel subfamily Q member 1; plus strand). Cytogenetic location: 11p15.5.
Variant type: single nucleotide variant.
Coding change: c.604+12C>T on transcript NM_000218.3 (MANE Select); 12 bases into the intron after coding-DNA position 604, C replaced by T.
Molecular consequence: intron variant.
Genome position (GRCh38, 1-based): chr11:2,570,766, C>T. VCF-style: chr11-2570766-C-T. GRCh37 (hg19) VCF-style: chr11-2591996-C-T.
Other names: c.334+12C>T (NM_001406837.1); c.604+12C>T (NM_001406836.1); c.478-12669C>T (NM_001406838.1); c.223+12C>T (NM_181798.2).
Identifiers: ClinVar variation 178386 (VCV000178386.15), dbSNP rs370821907, ClinGen allele CA007710.
Genomic context (GRCh38, chr11:2,570,766, plus strand): 5'-GGCCTCTGGGGGCGGCTGCGCTTTGCCCGGAAGCCCATTTCCATCATCGGTGAGTCATGC[C>T]TGCCCTGTGGAGGTCACGCCCAGGTTTCCAGACCAGGAAGGACCCCCACCTCATGACCCC-3'